The following is an entry in ClinVar:

NM_206933.4(USH2A):c.11377T>C (p.Trp3793Arg)

Gene: USH2A (usherin; minus strand). Cytogenetic location: 1q41.
Variant type: single nucleotide variant.
Coding change: c.11377T>C on transcript NM_206933.4 (MANE Select); coding-DNA position 11377, T replaced by C.
Protein change: p.Trp3793Arg; replaces tryptophan 3793 with arginine.
Molecular consequence: missense variant.
Genome position (GRCh38, 1-based): chr1:215,758,607, A>G on the plus strand (T>C on the coding strand, the complement: USH2A is on the minus strand). VCF-style: chr1-215758607-A-G. GRCh37 (hg19) VCF-style: chr1-215931949-A-G.
Other names: short protein forms W3793R.
Identifiers: ClinVar variation 867217 (VCV000867217.4), dbSNP rs895291691, ClinGen allele CA37425425.

ClinVar aggregate classification (germline): Uncertain significance. Review status: criteria provided, multiple submitters, no conflicts (2 of 4 stars). 2 submissions from 2 submitters: Uncertain significance (2). Last evaluated 2026-01-05.

Allele frequency attached by ClinVar (database versions not stated): TOPMed below 0.00001.

Submissions (2):

Labcorp Genetics (formerly Invitae), Labcorp
Classification: Uncertain significance. Last evaluated: 2026-01-05. Review status: criteria provided, single submitter. Criteria: Invitae Variant Classification Sherloc (09022015). Collection method: clinical testing. Allele origin: germline.
Comment: This sequence change replaces tryptophan, which is neutral and slightly polar, with arginine, which is basic and polar, at codon 3793 of the USH2A protein (p.Trp3793Arg). This variant is not present in population databases (gnomAD no frequency). This missense change has been observed in individual(s) with retinal dystrophy (PMID: 37086329). ClinVar contains an entry for this variant (Variation ID: 867217). Invitae Evidence Modeling of protein sequence and biophysical properties (such as structural, functional, and spatial information, amino acid conservation, physicochemical variation, residue mobility, and thermodynamic stability) indicates that this missense variant is expected to disrupt USH2A protein function with a positive predictive value of 95%. In summary, the available evidence is currently insufficient to determine the role of this variant in disease. Therefore, it has been classified as a Variant of Uncertain Significance.

Blueprint Genetics
Classification: Uncertain significance. Last evaluated: 2019-08-09. Review status: criteria provided, single submitter. Criteria: ACMG Guidelines, 2015. Collection method: clinical testing. Allele origin: germline.

Literature cited by the submitters: PubMed 37086329 (cited by Labcorp Genetics (formerly Invitae), Labcorp).